The following is an entry in ClinVar:

ClinVar aggregate classification (germline): Benign/Likely benign. Review status: criteria provided, multiple submitters, no conflicts (2 of 4 stars). 4 submissions from 4 submitters: Benign (2); Likely benign (2). Last evaluated 2026-01-31.

Allele frequency attached by ClinVar (database versions not stated): gnomAD exomes 0.00055 and 0.00134; ExAC 0.00156; gnomAD 0.00498 and 0.00527; TOPMed 0.00584; ESP Exome Variant Server 0.00623; 1000 Genomes Project 0.00639; 1000 Genomes Project 30x 0.00640.
gnomAD v4.1: 1,623 of 1,612,628 alleles (0.1%); highest among the groups gnomAD compares: African/African-American, 1.7%; 12 homozygotes.

Submissions (4):

Labcorp Genetics (formerly Invitae), Labcorp
Classification: Benign. Last evaluated: 2026-01-31. Review status: criteria provided, single submitter. Criteria: Invitae Variant Classification Sherloc (09022015). Collection method: clinical testing. Allele origin: germline.

Genomic Medicine Center of Excellence, King Faisal Specialist Hospital and Research Centre
Classification: Likely benign. Last evaluated: 2025-08-18. Review status: criteria provided, single submitter. Criteria: ACMG Guidelines, 2015. Collection method: clinical testing. Allele origin: germline.

Blueprint Genetics
Classification: Likely benign. Last evaluated: 2024-11-27. Review status: criteria provided, single submitter. Criteria: ACMG Guidelines, 2015. Collection method: clinical testing. Allele origin: germline.

GeneDx
Classification: Benign. Last evaluated: 2016-12-16. Review status: criteria provided, single submitter. Criteria: GeneDx Variant Classification (06012015). Collection method: clinical testing. Allele origin: germline. Affected: yes.
Comment: This variant is considered likely benign or benign based on one or more of the following criteria: it is a conservative change, it occurs at a poorly conserved position in the protein, it is predicted to be benign by multiple in silico algorithms, and/or has population frequency not consistent with disease.

NM_006059.4(LAMC3):c.977-11C>G

Gene: LAMC3 (laminin subunit gamma 3; plus strand). Cytogenetic location: 9q34.12.
Variant type: single nucleotide variant.
Coding change: c.977-11C>G on transcript NM_006059.4 (MANE Select); 11 bases into the intron before coding-DNA position 977, C replaced by G.
Molecular consequence: intron variant.
Genome position (GRCh38, 1-based): chr9:131,038,853, C>G. VCF-style: chr9-131038853-C-G. GRCh37 (hg19) VCF-style: chr9-133914240-C-G.
Identifiers: ClinVar variation 378066 (VCV000378066.11), dbSNP rs112213059, ClinGen allele CA5286895.